The following is an entry in ClinVar:

NM_001267550.2(TTN):c.85691A>T (p.Lys28564Ile)

Genes: TTN (titin; minus strand), TTN-AS1 (TTN antisense RNA 1; plus strand). Cytogenetic location: 2q31.2.
Variant type: single nucleotide variant.
Coding change: c.85691A>T on transcript NM_001267550.2 (MANE Select); coding-DNA position 85691, A replaced by T.
Protein change: p.Lys28564Ile; replaces lysine 28564 with isoleucine.
Molecular consequence: missense variant.
Genome position (GRCh38, 1-based): chr2:178,560,441, T>A on the plus strand (A>T on the coding strand, the complement: TTN is on the minus strand). VCF-style: chr2-178560441-T-A. GRCh37 (hg19) VCF-style: chr2-179425168-T-A.
Other names: p.K26923I:AAA>ATA; c.80768A>T, p.Lys26923Ile (NM_001256850.1); c.58496A>T, p.Lys19499Ile (NM_003319.4); c.77987A>T, p.Lys25996Ile (NM_133378.4); c.58871A>T, p.Lys19624Ile (NM_133432.3); c.59072A>T, p.Lys19691Ile (NM_133437.4); short protein forms K28564I, K25996I, K26923I, K19691I, K19624I, K19499I.
Identifiers: ClinVar variation 47447 (VCV000047447.39), dbSNP rs199859344, ClinGen allele CA141030.

ClinVar aggregate classification (germline): Benign/Likely benign. Review status: criteria provided, multiple submitters, no conflicts (2 of 4 stars). 15 submissions from 12 submitters: Benign (7); Likely benign (7). 1 of the submissions does not count toward it. Last evaluated 2026-02-01.

Conditions:
Cardiovascular phenotype. Identifiers: MedGen CN230736.
TTN-related disorder. Also called: TTN-related disorders; TTN-related condition; TTN-related disease.
Dilated cardiomyopathy 1G (CMD1G). Identifiers: Orphanet 154, MedGen C1858763, MONDO:0011400, OMIM 604145.
Autosomal recessive limb-girdle muscular dystrophy type 2J (LGMDR10). Also called: MUSCULAR DYSTROPHY, LIMB-GIRDLE, AUTOSOMAL RECESSIVE 10; Limb-girdle muscular dystrophy, type 2J. Identifiers: Orphanet 140922, MedGen C1837342, MONDO:0012127, OMIM 608807.
Early-onset myopathy with fatal cardiomyopathy (CMYO5). Also called: CONGENITAL MYOPATHY 5 WITH CARDIOMYOPATHY; Salih Myopathy. Identifiers: Orphanet 289377, MedGen C2673677, MONDO:0012714, OMIM 611705. Disease mechanism: loss of function.
Myopathy, myofibrillar, 9, with early respiratory failure (MFM9). Also called: Myopathy, distal, with early respiratory failure, autosomal dominant; Hereditary myopathy with early respiratory failure; MYOPATHY, PROXIMAL, WITH EARLY RESPIRATORY MUSCLE INVOLVEMENT; EDSTROM MYOPATHY. Identifiers: Orphanet 178464, Orphanet 34521, MedGen C1863599, MONDO:0011362, OMIM 603689.
Tibial muscular dystrophy (TMD). Also called: Udd Distal Myopathy – Tibial Muscular Dystrophy; Tibial muscular dystrophy, tardive; UDD MYOPATHY. Identifiers: Orphanet 609, MedGen C1838244, MONDO:0010870, OMIM 600334.

Allele frequency attached by ClinVar (database versions not stated): ESP Exome Variant Server 0.00143; gnomAD exomes 0.00018 and 0.00044; ExAC 0.00057; gnomAD 0.00187 and 0.00170; TOPMed 0.00194; 1000 Genomes Project 30x 0.00344; 1000 Genomes Project 0.00260.
gnomAD v4.1: 535 of 1,613,622 alleles (0.033%); highest among the groups gnomAD compares: African/African-American, 0.65%; no homozygotes.

Submissions (16):

Labcorp Genetics (formerly Invitae), Labcorp
Classification: Benign for Dilated cardiomyopathy 1G; Autosomal recessive limb-girdle muscular dystrophy type 2J. Last evaluated: 2026-02-01. Review status: criteria provided, single submitter. Criteria: Invitae Variant Classification Sherloc (09022015). Collection method: clinical testing. Allele origin: germline.

ARUP Laboratories, Molecular Genetics and Genomics, ARUP Laboratories
Classification: Likely benign. Last evaluated: 2025-05-20. Review status: criteria provided, single submitter. Criteria: ARUP Molecular Germline Variant Investigation Process 2024. Collection method: clinical testing. Allele origin: germline.

Molecular Diagnostic Laboratory for Inherited Cardiovascular Disease, Montreal Heart Institute
Classification: Likely benign. Last evaluated: 2025-04-09. Review status: criteria provided, single submitter. Criteria: ACMG Guidelines, 2015. Collection method: clinical testing. Allele origin: germline. Affected: no.

Blueprint Genetics
Classification: Likely benign. Last evaluated: 2024-11-06. Review status: criteria provided, single submitter. Criteria: ACMG Guidelines, 2015. Collection method: clinical testing. Allele origin: germline.

Women's Health and Genetics/Laboratory Corporation of America, LabCorp
Classification: Likely benign. Last evaluated: 2022-05-07. Review status: criteria provided, single submitter. Criteria: LabCorp Variant Classification Summary - May 2015. Collection method: clinical testing. Allele origin: germline.

Genome-Nilou Lab
Classification: Benign for Autosomal recessive limb-girdle muscular dystrophy type 2J. Last evaluated: 2021-09-10. Review status: criteria provided, single submitter. Criteria: ACMG Guidelines, 2015. Collection method: clinical testing. Allele origin: germline. Affected: no.

Genome-Nilou Lab
Classification: Benign for Myopathy, myofibrillar, 9, with early respiratory failure. Last evaluated: 2021-09-10. Review status: criteria provided, single submitter. Criteria: ACMG Guidelines, 2015. Collection method: clinical testing. Allele origin: germline. Affected: no.

Genome-Nilou Lab
Classification: Benign for Early-onset myopathy with fatal cardiomyopathy. Last evaluated: 2021-09-10. Review status: criteria provided, single submitter. Criteria: ACMG Guidelines, 2015. Collection method: clinical testing. Allele origin: germline. Affected: no.

Genome-Nilou Lab
Classification: Benign for Tibial muscular dystrophy. Last evaluated: 2021-09-10. Review status: criteria provided, single submitter. Criteria: ACMG Guidelines, 2015. Collection method: clinical testing. Allele origin: germline. Affected: no.

Athena Diagnostics
Classification: Benign. Last evaluated: 2018-12-27. Review status: criteria provided, single submitter. Criteria: Athena Diagnostics Criteria. Collection method: clinical testing. Allele origin: germline.

Ambry Genetics
Classification: Likely benign for Cardiovascular phenotype. Last evaluated: 2018-05-09. Review status: criteria provided, single submitter. Criteria: Ambry Variant Classification Scheme 2023. Collection method: clinical testing. Allele origin: germline.

Eurofins Ntd Llc (ga)
Classification: Likely benign. Last evaluated: 2017-02-28. Review status: criteria provided, single submitter. Criteria: EGL Classification Definitions 2015. Collection method: clinical testing. Allele origin: germline. Observed: 3 variant alleles, 3 heterozygotes.

GeneDx
Classification: Benign. Last evaluated: 2015-10-29. Review status: criteria provided, single submitter. Criteria: GeneDx Variant Classification (06012015). Collection method: clinical testing. Allele origin: germline. Affected: yes.
Comment: This variant is considered likely benign or benign based on one or more of the following criteria: it is a conservative change, it occurs at a poorly conserved position in the protein, it is predicted to be benign by multiple in silico algorithms, and/or has population frequency not consistent with disease.

Laboratory for Molecular Medicine, Mass General Brigham Personalized Medicine
Classification: Likely benign. Last evaluated: 2012-04-11. Review status: criteria provided, single submitter. Criteria: LMM Criteria. Collection method: clinical testing. Allele origin: germline. Observed: 3 variant alleles.
Comment: Lys25996Ile in exon 275 of TTN: This variant is not expected to have clinical si gnificance because it has been identified in 0.5% (14/3022) of African American chromosomes from a broad population by the NHLBI Exome Sequencing Project Lys25996Ile in exon 275 of TTN (allele frequenc y = 0.46%, 14/3022) **

PreventionGenetics, part of Exact Sciences
Classification: Likely benign for TTN-related condition. Last evaluated: 2024-07-18. Review status: no assertion criteria provided. Collection method: clinical testing. Allele origin: germline. Not counted in ClinVar's aggregate classification.
Comment: This variant is classified as likely benign based on ACMG/AMP sequence variant interpretation guidelines (Richards et al. 2015 PMID: 25741868, with internal and published modifications).

Dr. Peter K. Rogan Lab, Western University
No classification provided (evidence only). Condition: Acute myeloid leukemia. Review status: no classification provided. Collection method: in vitro. Allele origin: not applicable. Functional consequence: retained intron. Not counted in ClinVar's aggregate classification.